The following is an entry in ClinVar:

ClinVar aggregate classification (germline): Uncertain significance (1 of 4 stars; one submission).

Conditions:
Ullrich congenital muscular dystrophy 2 (UCMD2). Identifiers: Orphanet 75840, MedGen C4225314, MONDO:0014654, OMIM 616470.
Bethlem myopathy 2 (BTHLM2). Identifiers: Orphanet 536516, Orphanet 610, MedGen C4225313, MONDO:0034022, OMIM 616471.

Submission:

Labcorp Genetics (formerly Invitae), Labcorp
Classification: Uncertain significance for Bethlem myopathy 2; Ullrich congenital muscular dystrophy 2. Last evaluated: 2025-12-17. Review status: criteria provided, single submitter. Criteria: Invitae Variant Classification Sherloc (09022015). Collection method: clinical testing. Allele origin: germline.
Comment: This sequence change falls in intron 20 of the COL12A1 gene. It does not directly change the encoded amino acid sequence of the COL12A1 protein. It affects a nucleotide within the consensus splice site. This variant is not present in population databases (gnomAD no frequency). This variant has not been reported in the literature in individuals affected with COL12A1-related conditions. Variants that disrupt the consensus splice site are a relatively common cause of aberrant splicing (PMID: 17576681, 9536098). Algorithms developed to predict the effect of sequence changes on RNA splicing suggest that this variant may disrupt the consensus splice site. In summary, the available evidence is currently insufficient to determine the role of this variant in disease. Therefore, it has been classified as a Variant of Uncertain Significance.

Literature cited by the submitters: PubMed 17576681; PubMed 9536098.

NM_004370.6(COL12A1):c.4000+5G>T

Gene: COL12A1 (collagen type XII alpha 1 chain; minus strand). Cytogenetic location: 6q13.
Variant type: single nucleotide variant.
Coding change: c.4000+5G>T on transcript NM_004370.6 (MANE Select); 5 bases into the intron after coding-DNA position 4000, G replaced by T.
Molecular consequence: intron variant.
Genome position (GRCh38, 1-based): chr6:75,151,862, C>A on the plus strand (G>T on the coding strand, the complement: COL12A1 is on the minus strand). VCF-style: chr6-75151862-C-A. GRCh37 (hg19) VCF-style: chr6-75861578-C-A.
Other names: c.508+5G>T (NM_001424116.1, NM_080645.3); c.3727+5G>T (NM_001424115.1); c.4000+5G>T (NM_001424114.1, NM_001424113.1).
Identifiers: ClinVar variation 4788193 (VCV004788193.1).
Genomic context (GRCh38, chr6:75,151,862, plus strand): 5'-ACTACGAAAAATATCCTCAGCACATTTGTAACCCCAGGGGCATCACTGTCCTTTTCAGTG[C>A]GTACCAATAGCAAACAGCTCCACTCCCTCATCCTTGAGTTTCTTTGAAGGTGCTTCAACA-3'